The following is an entry in ClinVar:

ClinVar aggregate classification (germline): Uncertain significance. Review status: criteria provided, multiple submitters, no conflicts (2 of 4 stars). 3 submissions from 3 submitters: Uncertain significance (3). Last evaluated 2025-08-30.

Conditions:
Inborn genetic diseases. Identifiers: MedGen C0950123, MeSH D030342.
Episodic ataxia type 2 (EA2). Also called: ACETAZOLAMIDE-RESPONSIVE HEREDITARY PAROXYSMAL CEREBELLAR ATAXIA; CEREBELLAR ATAXIA, PAROXYSMAL, ACETAZOLAMIDE-RESPONSIVE; CEREBELLOPATHY, HEREDITARY PAROXYSMAL; EPISODIC ATAXIA, NYSTAGMUS-ASSOCIATED; ATAXIA, EPISODIC, WITH NYSTAGMUS; ATAXIA, FAMILIAL PAROXYSMAL. Identifiers: Orphanet 97, MedGen C1720416, MONDO:0007163, OMIM 108500.

Allele frequency attached by ClinVar (database versions not stated): gnomAD 0.00001; gnomAD exomes 0.00001 and 0.00002; ExAC 0.00012.
gnomAD v4.1: 8 of 1,499,198 alleles (0.00053%); highest among the groups gnomAD compares: Admixed American, 0.0022%; no homozygotes.

Submissions (3):

Ambry Genetics
Classification: Uncertain significance for Inborn genetic diseases. Last evaluated: 2025-08-30. Review status: criteria provided, single submitter. Criteria: Ambry Variant Classification Scheme 2023. Collection method: clinical testing. Allele origin: germline.

CeGaT Center for Human Genetics Tuebingen
Classification: Uncertain significance. Last evaluated: 2023-02-01. Review status: criteria provided, single submitter. Criteria: CeGaT Center For Human Genetics Tuebingen Variant Classification Criteria Version 2. Collection method: clinical testing. Allele origin: germline. Affected: yes. Observed: 1 variant allele.
Comment: CACNA1A: PP2, PP3

Human Genome Sequencing Center Clinical Lab, Baylor College of Medicine
Classification: Uncertain significance for Episodic ataxia 2. Review status: criteria provided, single submitter. Criteria: ACMG Guidelines, 2015. Collection method: clinical testing. Allele origin: germline.

NM_001127222.2(CACNA1A):c.2905C>G (p.Pro969Ala)

Gene: CACNA1A (calcium voltage-gated channel subunit alpha1 A; minus strand). Cytogenetic location: 19p13.13.
Variant type: single nucleotide variant.
Coding change: c.2905C>G on transcript NM_001127222.2 (MANE Select); coding-DNA position 2905, C replaced by G.
Protein change: p.Pro969Ala; replaces proline 969 with alanine.
Molecular consequence: missense variant.
Genome position (GRCh38, 1-based): chr19:13,298,728, G>C on the plus strand (C>G on the coding strand, the complement: CACNA1A is on the minus strand). VCF-style: chr19-13298728-G-C. GRCh37 (hg19) VCF-style: chr19-13409542-G-C.
Other names: c.2917C>G, p.Pro973Ala (NM_000068.4, NM_023035.3); c.2908C>G, p.Pro970Ala (NM_001127221.2, NM_001174080.2); short protein forms P969A, P970A, P973A.
Identifiers: ClinVar variation 979145 (VCV000979145.26), dbSNP rs773766180, ClinGen allele CA9240451.